The following is an entry in ClinVar:

ClinVar aggregate classification (germline): Conflicting classifications of pathogenicity. Review status: criteria provided, conflicting classifications (1 of 4 stars). 18 submissions from 18 submitters: Uncertain significance (1); Benign (2); Likely benign (12). 3 of the submissions do not count toward it. Last evaluated 2026-07-01.

Conditions:
Cardiovascular phenotype. Identifiers: MedGen CN230736.
Familial isolated arrhythmogenic right ventricular dysplasia. Identifiers: Orphanet 217656, MedGen C4274968, MONDO:0016342.
Cardiomyopathy (CMYO). Also called: Cardiomyopathies. Identifiers: Orphanet 167848, MedGen C0878544, MONDO:0004994, HP:0001638. Inheritance: Various modes of inheritance.
Arrhythmogenic right ventricular dysplasia 11. Also called: Arrhythmogenic right ventricular dysplasia 11 with mild palmoplantar keratoderma and woolly hair; Arrhythmogenic Right Ventricular Dysplasia/Cardiomyopathy11; ARRHYTHMOGENIC RIGHT VENTRICULAR DYSPLASIA, FAMILIAL, 11. Identifiers: MedGen C1864850, MONDO:0012506, OMIM 610476.

Allele frequency attached by ClinVar (database versions not stated): gnomAD exomes 0.00052 and 0.00077; gnomAD 0.00054 and 0.00056; TOPMed 0.00051; ExAC 0.00041; ESP Exome Variant Server 0.00054.
gnomAD v4.1: 1,209 of 1,613,632 alleles (0.075%); highest among the groups gnomAD compares: Non-Finnish European, 0.094%; 2 homozygotes.

Submissions (18):

CeGaT Center for Human Genetics Tuebingen
Classification: Likely benign. Last evaluated: 2026-07-01. Review status: criteria provided, single submitter. Criteria: CeGaT Center For Human Genetics Tuebingen Variant Classification Criteria Version 2. Collection method: clinical testing. Allele origin: germline. Affected: yes. Observed: 3 variant alleles.
Comment: DSC2: BP4, BP7

Molecular Diagnostic Laboratory for Inherited Cardiovascular Disease, Montreal Heart Institute
Classification: Likely benign. Last evaluated: 2026-03-27. Review status: criteria provided, single submitter. Criteria: ACMG Guidelines, 2015. Collection method: clinical testing. Allele origin: germline. Affected: no.

Labcorp Genetics (formerly Invitae), Labcorp
Classification: Likely benign for Arrhythmogenic right ventricular dysplasia 11. Last evaluated: 2026-01-31. Review status: criteria provided, single submitter. Criteria: Invitae Variant Classification Sherloc (09022015). Collection method: clinical testing. Allele origin: germline.

Mayo Clinic Laboratories, Mayo Clinic
Classification: Likely benign. Last evaluated: 2025-10-20. Review status: criteria provided, single submitter. Criteria: ACMG Guidelines, 2015. Collection method: clinical testing. Allele origin: germline. Observed: 3 variant alleles.
Comment: BS1, BP4, BP7

Blueprint Genetics
Classification: Likely benign. Last evaluated: 2024-09-24. Review status: criteria provided, single submitter. Criteria: ACMG Guidelines, 2015. Collection method: clinical testing. Allele origin: germline.

All of Us Research Program, National Institutes of Health
Classification: Likely benign for Familial isolated arrhythmogenic right ventricular dysplasia. Last evaluated: 2024-02-05. Review status: criteria provided, single submitter. Criteria: ACMG Guidelines, 2015. Collection method: clinical testing. Allele origin: germline. Inheritance: Autosomal dominant inheritance. Observed: 164 variant alleles, 164 heterozygotes.
Comment: This study involves interpretation of variants in research participants for the purpose of population health screening. Participant phenotype was not available at the time of variant classification. Additional details can be found in publication PMID: 35346344, PMCID: PMC8962531

CHEO Genetics Diagnostic Laboratory, Children's Hospital of Eastern Ontario
Classification: Likely benign for Cardiomyopathy. Last evaluated: 2023-05-16. Review status: criteria provided, single submitter. Criteria: ACMG Guidelines, 2015. Collection method: clinical testing. Allele origin: germline.

Women's Health and Genetics/Laboratory Corporation of America, LabCorp
Classification: Benign. Last evaluated: 2021-10-30. Review status: criteria provided, single submitter. Criteria: LabCorp Variant Classification Summary - May 2015. Collection method: clinical testing. Allele origin: germline.

Color Diagnostics, LLC DBA Color Health
Classification: Likely benign for Cardiomyopathy. Last evaluated: 2018-10-15. Review status: criteria provided, single submitter. Criteria: ACMG Guidelines, 2015. Collection method: clinical testing. Allele origin: germline.

Illumina Laboratory Services, Illumina
Classification: Uncertain significance for Arrhythmogenic right ventricular dysplasia 11. Last evaluated: 2018-01-13. Review status: criteria provided, single submitter. Criteria: ICSL Variant Classification Criteria 13 December 2019. Collection method: clinical testing. Allele origin: germline.

Genome Diagnostics Laboratory, University Medical Center Utrecht
Classification: Likely benign for Arrhythmogenic right ventricular dysplasia 11. Last evaluated: 2017-07-28. Review status: criteria provided, single submitter. Criteria: ACGS Guidelines, 2013. Collection method: clinical testing. Allele origin: germline. Affected: yes. Study: VKGL Data-share Consensus.

Ambry Genetics
Classification: Likely benign for Cardiovascular phenotype. Last evaluated: 2017-02-09. Review status: criteria provided, single submitter. Criteria: Ambry Variant Classification Scheme 2023. Collection method: clinical testing. Allele origin: germline.

Laboratory for Molecular Medicine, Mass General Brigham Personalized Medicine
Classification: Likely benign. Last evaluated: 2016-07-18. Review status: criteria provided, single submitter. Criteria: LMM Criteria. Collection method: clinical testing. Allele origin: germline. Observed: 5 variant alleles.
Comment: p.Glu90Glu in exon 3 of DSC2: This variant is not expected to have clinical sign ificance because it does not alter an amino acid residue and is not located with in the splice consensus sequence. It has been identified in 0.1% (46/66562) of E uropean chromosomes by the Exome Aggregation Consortium (ExAC; dbSNP rs138643506).

Clinical Genetics DNA and cytogenetics Diagnostics Lab, Erasmus MC, Erasmus Medical Center
Classification: Likely benign for Arrhythmogenic right ventricular dysplasia 11. Last evaluated: 2015-09-21. Review status: criteria provided, single submitter. Criteria: ACGS Guidelines, 2013. Collection method: clinical testing. Allele origin: germline. Affected: yes. Study: VKGL Data-share Consensus.

GeneDx
Classification: Benign. Last evaluated: 2014-05-06. Review status: criteria provided, single submitter. Criteria: GeneDx Variant Classification (06012015). Collection method: clinical testing. Allele origin: germline. Affected: yes.
Comment: This variant is considered likely benign or benign based on one or more of the following criteria: it is a conservative change, it occurs at a poorly conserved position in the protein, it is predicted to be benign by multiple in silico algorithms, and/or has population frequency not consistent with disease.

Clinical Genetics, Academic Medical Center
Classification: Benign. Review status: no assertion criteria provided. Collection method: clinical testing. Allele origin: germline. Affected: yes. Study: VKGL Data-share Consensus. Not counted in ClinVar's aggregate classification.

Diagnostic Laboratory, Department of Genetics, University Medical Center Groningen
Classification: Likely benign for Arrhythmogenic right ventricular dysplasia 11. Review status: no assertion criteria provided. Collection method: clinical testing. Allele origin: germline. Affected: yes. Study: VKGL Data-share Consensus. Not counted in ClinVar's aggregate classification.

Joint Genome Diagnostic Labs from Nijmegen and Maastricht, Radboudumc and MUMC+
Classification: Likely benign. Review status: no assertion criteria provided. Collection method: clinical testing. Allele origin: germline. Affected: yes. Study: VKGL Data-share Consensus. Not counted in ClinVar's aggregate classification.

NM_024422.6(DSC2):c.270G>A (p.Glu90=)

Gene: DSC2 (desmocollin 2; minus strand). Cytogenetic location: 18q12.1.
Variant type: single nucleotide variant.
Coding change: c.270G>A on transcript NM_024422.6 (MANE Select); coding-DNA position 270, G replaced by A.
Protein change: p.Glu90=; no amino-acid change (glutamic acid 90 retained).
Molecular consequence: synonymous variant.
Genome position (GRCh38, 1-based): chr18:31,092,185, C>T on the plus strand (G>A on the coding strand, the complement: DSC2 is on the minus strand). VCF-style: chr18-31092185-C-T. GRCh37 (hg19) VCF-style: chr18-28672148-C-T.
Other names: p.E90E:GAG>GAA; p.Glu90=; c.270G>A, p.Glu90= (NM_004949.5).
Identifiers: ClinVar variation 46187 (VCV000046187.69), dbSNP rs138643506, ClinGen allele CA022771.
Genomic context (GRCh38, chr18:31,092,185, plus strand): 5'-AAATATTTTCTTCTTTTCTTGGTTCTCAGTGTTGGAAAGTAATATGGTAAAACTTCTCTT[C>T]TCCGAGGACAATAGAATAGTATTTGTTGTATAGACTGAACCATCCTCCAAAATTTGGAAG-3'
Protein context (NP_077740.1, residues 80-100): YTTNTILLSS[Glu90=]KRSFTILLSN